The following is an entry in ClinVar:

ClinVar aggregate classification (germline): Uncertain significance (1 of 4 stars; one submission).

Submission:

Labcorp Genetics (formerly Invitae), Labcorp
Classification: Uncertain significance. Last evaluated: 2023-08-17. Review status: criteria provided, single submitter. Criteria: Invitae Variant Classification Sherloc (09022015). Collection method: clinical testing. Allele origin: germline.
Comment: In summary, the available evidence is currently insufficient to determine the role of this variant in disease. Therefore, it has been classified as a Variant of Uncertain Significance. Advanced modeling of protein sequence and biophysical properties (such as structural, functional, and spatial information, amino acid conservation, physicochemical variation, residue mobility, and thermodynamic stability) performed at Invitae indicates that this missense variant is expected to disrupt COL4A3 protein function. This sequence change replaces glycine, which is neutral and non-polar, with arginine, which is basic and polar, at codon 850 of the COL4A3 protein (p.Gly850Arg). This variant is not present in population databases (gnomAD no frequency). This variant has not been reported in the literature in individuals affected with COL4A3-related conditions.

NM_000091.5(COL4A3):c.2548G>A (p.Gly850Arg)

Genes: COL4A3 (collagen type IV alpha 3 chain; plus strand), MFF-DT (MFF divergent transcript; minus strand). Cytogenetic location: 2q36.3.
Variant type: single nucleotide variant.
Coding change: c.2548G>A on transcript NM_000091.5 (MANE Select); coding-DNA position 2548, G replaced by A.
Protein change: p.Gly850Arg; replaces glycine 850 with arginine.
Molecular consequence: missense variant.
Genome position (GRCh38, 1-based): chr2:227,282,424, G>A. VCF-style: chr2-227282424-G-A. GRCh37 (hg19) VCF-style: chr2-228147140-G-A.
Other names: short protein forms G850R.
Identifiers: ClinVar variation 2744094 (VCV002744094.3), dbSNP rs2106163935, ClinGen allele CA350850264.